The following is an entry in ClinVar:

ClinVar aggregate classification (germline): Uncertain significance (1 of 4 stars; one submission).

gnomAD v4.1: 1 of 1,613,026 alleles (0.000062%); highest among the groups gnomAD compares: Non-Finnish European, 0.000085%; no homozygotes.

Submission:

Labcorp Genetics (formerly Invitae), Labcorp
Classification: Uncertain significance. Last evaluated: 2021-07-13. Review status: criteria provided, single submitter. Criteria: Invitae Variant Classification Sherloc (09022015). Collection method: clinical testing. Allele origin: germline.
Comment: This variant has not been reported in the literature in individuals affected with ADGRB2-related conditions. In summary, the available evidence is currently insufficient to determine the role of this variant in disease. Therefore, it has been classified as a Variant of Uncertain Significance. Algorithms developed to predict the effect of missense changes on protein structure and function are either unavailable or do not agree on the potential impact of this missense change (SIFT: "Tolerated"; PolyPhen-2: "Probably Damaging"; Align-GVGD: "Class C0"). This variant is not present in population databases (ExAC no frequency). This sequence change replaces alanine with valine at codon 179 of the ADGRB2 protein (p.Ala179Val). The alanine residue is weakly conserved and there is a small physicochemical difference between alanine and valine.

NM_001364857.2(ADGRB2):c.536C>T (p.Ala179Val)

Gene: ADGRB2 (adhesion G protein-coupled receptor B2; minus strand). Cytogenetic location: 1p35.2.
Variant type: single nucleotide variant.
Coding change: c.536C>T on transcript NM_001364857.2 (MANE Select); coding-DNA position 536, C replaced by T.
Protein change: p.Ala179Val; replaces alanine 179 with valine.
Molecular consequence: missense variant.
Genome position (GRCh38, 1-based): chr1:31,756,301, G>A on the plus strand (C>T on the coding strand, the complement: ADGRB2 is on the minus strand). VCF-style: chr1-31756301-G-A. GRCh37 (hg19) VCF-style: chr1-32221902-G-A.
Other names: c.536C>T, p.Ala179Val (NM_001294335.2, NM_001294336.2); short protein forms A179V.
Identifiers: ClinVar variation 1352779 (VCV001352779.8), dbSNP rs1420270980, ClinGen allele CA339622563.